The following is an entry in ClinVar:

ClinVar aggregate classification (germline): Uncertain significance. Review status: criteria provided, multiple submitters, no conflicts (2 of 4 stars). 2 submissions from 2 submitters: Uncertain significance (2). Last evaluated 2024-02-14.

Conditions:
Familial adenomatous polyposis 1 (FAP1). Also called: FAMILIAL ADENOMATOUS POLYPOSIS 1, ATTENUATED; POLYPOSIS, ADENOMATOUS INTESTINAL. Identifiers: MedGen C2713442, MONDO:0021056, OMIM 175100. Disease mechanism: loss of function.

Submissions (2):

Baylor Genetics
Classification: Uncertain significance for Familial adenomatous polyposis 1. Last evaluated: 2024-02-14. Review status: criteria provided, single submitter. Criteria: ACMG Guidelines, 2015. Collection method: clinical testing. Allele origin: unknown.

Labcorp Genetics (formerly Invitae), Labcorp
Classification: Uncertain significance for Familial adenomatous polyposis 1. Last evaluated: 2023-08-11. Review status: criteria provided, single submitter. Criteria: Invitae Variant Classification Sherloc (09022015). Collection method: clinical testing. Allele origin: germline.
Comment: Advanced modeling of protein sequence and biophysical properties (such as structural, functional, and spatial information, amino acid conservation, physicochemical variation, residue mobility, and thermodynamic stability) performed at Invitae indicates that this missense variant is not expected to disrupt APC protein function. In summary, the available evidence is currently insufficient to determine the role of this variant in disease. Therefore, it has been classified as a Variant of Uncertain Significance. This variant is not present in population databases (gnomAD no frequency). This sequence change replaces serine, which is neutral and polar, with threonine, which is neutral and polar, at codon 2025 of the APC protein (p.Ser2025Thr). ClinVar contains an entry for this variant (Variation ID: 537533). This variant has not been reported in the literature in individuals affected with APC-related conditions.

NM_000038.6(APC):c.6074G>C (p.Ser2025Thr)

Gene: APC (APC regulator of Wnt signaling pathway; plus strand). Cytogenetic location: 5q22.2.
Variant type: single nucleotide variant.
Coding change: c.6074G>C on transcript NM_000038.6 (MANE Select); coding-DNA position 6074, G replaced by C.
Protein change: p.Ser2025Thr; replaces serine 2025 with threonine.
Molecular consequence: missense variant.
Genome position (GRCh38, 1-based): chr5:112,841,668, G>C. VCF-style: chr5-112841668-G-C. GRCh37 (hg19) VCF-style: chr5-112177365-G-C.
Other names: c.6074G>C, p.Ser2025Thr (NM_001127510.3, NM_001354895.2); c.6020G>C, p.Ser2007Thr (NM_001127511.3); c.6128G>C, p.Ser2043Thr (NM_001354896.2); c.6104G>C, p.Ser2035Thr (NM_001354897.2); c.5999G>C, p.Ser2000Thr (NM_001354898.2); c.5990G>C, p.Ser1997Thr (NM_001354899.2); c.5951G>C, p.Ser1984Thr (NM_001354900.2); c.5897G>C, p.Ser1966Thr (NM_001354901.2); and 5 more; short protein forms S2007T, S2025T, S1742T, S1934T, S2043T, S1966T, S1984T, S1865T.
Identifiers: ClinVar variation 537533 (VCV000537533.11), dbSNP rs1419565228, ClinGen allele CA16034626.